The following is an entry in ClinVar:

NM_001100913.3(PACS2):c.1057G>A (p.Val353Met)

Gene: PACS2 (phosphofurin acidic cluster sorting protein 2; plus strand). Cytogenetic location: 14q32.33.
Variant type: single nucleotide variant.
Coding change: c.1057G>A on transcript NM_001100913.3 (MANE Select); coding-DNA position 1057, G replaced by A.
Protein change: p.Val353Met; replaces valine 353 with methionine.
Molecular consequence: missense variant.
Genome position (GRCh38, 1-based): chr14:105,380,086, G>A. VCF-style: chr14-105380086-G-A. GRCh37 (hg19) VCF-style: chr14-105846423-G-A.
Other names: c.1057G>A (NM_001100913.2); c.832G>A, p.Val278Met (NM_001243127.3); c.1057G>A, p.Val353Met (NM_015197.4); short protein forms V353M, V278M.
Identifiers: ClinVar variation 1903005 (VCV001903005.6), dbSNP rs1455297417, ClinGen allele CA391180528.

ClinVar aggregate classification (germline): Uncertain significance. Review status: criteria provided, multiple submitters, no conflicts (2 of 4 stars). 2 submissions from 2 submitters: Uncertain significance (2). Last evaluated 2026-01-23.

Conditions:
Inborn genetic diseases. Identifiers: MedGen C0950123, MeSH D030342.

Allele frequency attached by ClinVar (database versions not stated): TOPMed 0.00003.
gnomAD v4.1: 13 of 1,552,494 alleles (0.00084%); highest among the groups gnomAD compares: African/African-American, 0.0041%; no homozygotes.

Submissions (2):

Labcorp Genetics (formerly Invitae), Labcorp
Classification: Uncertain significance. Last evaluated: 2026-01-23. Review status: criteria provided, single submitter. Criteria: Invitae Variant Classification Sherloc (09022015). Collection method: clinical testing. Allele origin: germline.
Comment: This sequence change replaces valine, which is neutral and non-polar, with methionine, which is neutral and non-polar, at codon 353 of the PACS2 protein (p.Val353Met). The frequency data for this variant in the population databases is considered unreliable, as metrics indicate poor data quality at this position in the gnomAD database. This variant has not been reported in the literature in individuals affected with PACS2-related conditions. ClinVar contains an entry for this variant (Variation ID: 1903005). An algorithm developed to predict the effect of missense changes on protein structure and function outputs the following: PolyPhen-2: "Benign". The methionine amino acid residue is found in multiple mammalian species, which suggests that this missense change does not adversely affect protein function. In summary, the available evidence is currently insufficient to determine the role of this variant in disease. Therefore, it has been classified as a Variant of Uncertain Significance.

Ambry Genetics
Classification: Uncertain significance for Inborn genetic diseases. Last evaluated: 2024-01-08. Review status: criteria provided, single submitter. Criteria: Ambry Variant Classification Scheme 2023. Collection method: clinical testing. Allele origin: germline.